The following is an entry in ClinVar:

ClinVar aggregate classification (germline): Likely benign. Review status: criteria provided, single submitter (1 of 4 stars). 2 submissions from 2 submitters: Likely benign (1). 1 of the submissions does not count toward it. Last evaluated 2021-03-24.

Conditions:
VPS13B-related disorder. Also called: VPS13B-related condition.

gnomAD v4.1: 2 of 1,614,278 alleles (0.00012%); highest among the groups gnomAD compares: African/African-American, 0.0027%; no homozygotes.

Submissions (2):

Blueprint Genetics
Classification: Likely benign. Last evaluated: 2021-03-24. Review status: criteria provided, single submitter. Criteria: ACMG Guidelines, 2015. Collection method: clinical testing. Allele origin: germline.

PreventionGenetics, part of Exact Sciences
Classification: Likely benign for VPS13B-related condition. Last evaluated: 2023-07-28. Review status: no assertion criteria provided. Collection method: clinical testing. Allele origin: germline. Not counted in ClinVar's aggregate classification.
Comment: This variant is classified as likely benign based on ACMG/AMP sequence variant interpretation guidelines (Richards et al. 2015 PMID: 25741868, with internal and published modifications).

NM_152564.5(VPS13B):c.10431T>C (p.Phe3477=)

Gene: VPS13B (vacuolar protein sorting 13 homolog B; plus strand). Cytogenetic location: 8q22.2.
Variant type: single nucleotide variant.
Coding change: c.10431T>C on transcript NM_152564.5 (MANE Select); coding-DNA position 10431, T replaced by C.
Protein change: p.Phe3477=; no amino-acid change (phenylalanine 3477 retained).
Molecular consequence: synonymous variant.
Genome position (GRCh38, 1-based): chr8:99,853,820, T>C. VCF-style: chr8-99853820-T-C. GRCh37 (hg19) VCF-style: chr8-100866048-T-C.
Other names: c.10506T>C, p.Phe3502= (NM_017890.5).
Identifiers: ClinVar variation 3348315 (VCV003348315.2).